The following is an entry in ClinVar:

NM_022336.4(EDAR):c.1292T>C (p.Ile431Thr)

Genes: EDAR (ectodysplasin A receptor; minus strand), RANBP2 (RAN binding protein 2; plus strand). Cytogenetic location: 2q13.
Variant type: single nucleotide variant.
Coding change: c.1292T>C on transcript NM_022336.4 (MANE Select); coding-DNA position 1292, T replaced by C.
Protein change: p.Ile431Thr; replaces isoleucine 431 with threonine.
Molecular consequence: missense variant.
Genome position (GRCh38, 1-based): chr2:108,896,962, A>G on the plus strand (T>C on the coding strand, the complement: EDAR is on the minus strand). VCF-style: chr2-108896962-A-G. GRCh37 (hg19) VCF-style: chr2-109513418-A-G.
Other names: short protein forms I431T.
Identifiers: ClinVar variation 1721247 (VCV001721247.5), dbSNP rs1696608702, ClinGen allele CA348047607.
Genomic context (GRCh38, chr2:108,896,962, plus strand): 5'-GCTTTTCAGGATGCAGCATGTGGCTGGGAGGCAGGTGGCACAACCCCCGCCCACTCCAGT[A>G]TGTCTGCACACAAGGACTCCACAGCATCCAGCCGCTCAATCTGCACCAGTTTTGTGAGTA-3'
Protein context (NP_071731.1, residues 421-441): LDAVESLCAD[Ile431Thr]LEWAGVVPPA

ClinVar aggregate classification (germline): Pathogenic (1 of 4 stars; one submission).

Conditions:
Ectodermal dysplasia 10A, hypohidrotic/hair/nail type, autosomal dominant (ECTD10A). Also called: Ectodermal Dysplasia 3, Anhidrotic. Identifiers: Orphanet 1810, Orphanet 238468, MedGen C3888065, MONDO:0007509, OMIM 129490.
Autosomal recessive hypohidrotic ectodermal dysplasia syndrome. Also called: Autosomal recessive hypohidrotic ectodermal dysplasia. Identifiers: Orphanet 248, MedGen C0406702, MONDO:0016619.

Submission:

Labcorp Genetics (formerly Invitae), Labcorp
Classification: Pathogenic for Ectodermal dysplasia 10A, hypohidrotic/hair/nail type, autosomal dominant; Autosomal recessive hypohidrotic ectodermal dysplasia syndrome. Last evaluated: 2023-05-22. Review status: criteria provided, single submitter. Criteria: Invitae Variant Classification Sherloc (09022015). Collection method: clinical testing. Allele origin: germline.
Comment: For these reasons, this variant has been classified as Pathogenic. This variant disrupts the p.Ile431 amino acid residue in EDAR. Other variant(s) that disrupt this residue have been determined to be pathogenic (Invitae). This suggests that this residue is clinically significant, and that variants that disrupt this residue are likely to be disease-causing. Advanced modeling of protein sequence and biophysical properties (such as structural, functional, and spatial information, amino acid conservation, physicochemical variation, residue mobility, and thermodynamic stability) performed at Invitae indicates that this missense variant is expected to disrupt EDAR protein function. ClinVar contains an entry for this variant (Variation ID: 1721247). This missense change has been observed in individual(s) with clinical features of autosomal dominant ectodermal dysplasia (Invitae). This variant is not present in population databases (gnomAD no frequency). This sequence change replaces isoleucine, which is neutral and non-polar, with threonine, which is neutral and polar, at codon 431 of the EDAR protein (p.Ile431Thr).